The following is an entry in ClinVar:

ClinVar aggregate classification (germline): Likely benign (0 of 4 stars; one submission).

Conditions:
AFG3L2-related disorder. Also called: AFG3L2-related condition.

Submission:

PreventionGenetics, part of Exact Sciences
Classification: Likely benign for AFG3L2-related condition. Last evaluated: 2019-02-21. Review status: no assertion criteria provided. Collection method: clinical testing. Allele origin: germline.
Comment: This variant is classified as likely benign based on ACMG/AMP sequence variant interpretation guidelines (Richards et al. 2015 PMID: 25741868, with internal and published modifications).

NM_006796.3(AFG3L2):c.752+5T>G

Gene: AFG3L2 (AFG3 like matrix AAA peptidase subunit 2; minus strand). Cytogenetic location: 18p11.21.
Variant type: single nucleotide variant.
Coding change: c.752+5T>G on transcript NM_006796.3 (MANE Select); 5 bases into the intron after coding-DNA position 752, T replaced by G.
Molecular consequence: intron variant.
Genome position (GRCh38, 1-based): chr18:12,359,922, A>C on the plus strand (T>G on the coding strand, the complement: AFG3L2 is on the minus strand). VCF-style: chr18-12359922-A-C. GRCh37 (hg19) VCF-style: chr18-12359921-A-C.
Identifiers: ClinVar variation 3047922 (VCV003047922.2), dbSNP rs2510230882, ClinGen allele CA2576459225.